The following is an entry in ClinVar:

NM_007294.4(BRCA1):c.47A>T (p.Asn16Ile)

Gene: BRCA1 (BRCA1 DNA repair associated; minus strand). Cytogenetic location: 17q21.31.
Variant type: single nucleotide variant.
Coding change: c.47A>T on transcript NM_007294.4 (MANE Select); coding-DNA position 47, A replaced by T.
Protein change: p.Asn16Ile; replaces asparagine 16 with isoleucine.
Molecular consequence: missense variant. On other transcripts: 5 prime UTR variant (1), non-coding transcript variant (1).
Genome position (GRCh38, 1-based): chr17:43,124,050, T>A on the plus strand (A>T on the coding strand, the complement: BRCA1 is on the minus strand). VCF-style: chr17-43124050-T-A. GRCh37 (hg19) VCF-style: chr17-41276067-T-A.
Other names: c.-142A>T (NM_001407571.1, NM_001407853.1, NM_001407879.1 and 46 more transcripts); c.47A>T, p.Asn16Ile (NM_001407581.1, NM_001407582.1, NM_001407583.1 and 193 more transcripts); c.-211A>T (NM_001407694.1, NM_001407724.1, NM_001407727.1 and 11 more transcripts); c.-215A>T (NM_001407695.1, NM_001408465.1); c.-356A>T (NM_001407696.1); c.-240A>T (NM_001407697.1, NM_001407846.1, NM_001407920.1); c.-41A>T (NM_001407698.1, NM_001407732.1, NM_001407736.1 and 23 more transcripts); c.-214A>T (NM_001407725.1, NM_001407730.1, NM_001407734.1 and 22 more transcripts); and 8 more; short protein forms N16I.
Identifiers: ClinVar variation 868729 (VCV000868729.3), dbSNP rs2055729319, ClinGen allele CA10602064.

Conditions:
Breast-ovarian cancer, familial, susceptibility to, 1 (BROVCA1). Also called: BRCA1 Hereditary Breast and Ovarian Cancer; OVARIAN CANCER, SUSCEPTIBILITY TO. Identifiers: Orphanet 145, MedGen C2676676, MONDO:0011450, OMIM 604370. Disease mechanism: loss of function.

Submission:

Brotman Baty Institute, University of Washington
No classification provided (evidence only). Condition: Breast-ovarian cancer, familial 1. Review status: no classification provided. Collection method: in vitro. Allele origin: not applicable. Functional consequence: functionally_normal.
ClinVar note: "not provided" was previously submitted as the classification for the variant. However, the classification appeared to be based only on an observation of functional data so it was converted to no classification on 2025-07-30.